The following is an entry in ClinVar:

ClinVar aggregate classification (germline): Uncertain significance (1 of 4 stars; one submission).

Conditions:
Hereditary sensory and autonomic neuropathy type 7. Also called: Neuropathy, hereditary sensory and autonomic, type VII; HSAN VII. Identifiers: Orphanet 391397, MedGen C3809882, MONDO:0014244, OMIM 615548.
Familial episodic pain syndrome with predominantly lower limb involvement. Also called: Episodic pain syndrome, familial, 3. Identifiers: Orphanet 391384, Orphanet 391392, MedGen C3809899, MONDO:0014247, OMIM 615552.

Allele frequency attached by ClinVar (database versions not stated): gnomAD exomes below 0.00001.
gnomAD v4.1: 5 of 1,136,030 alleles (0.00044%); highest among the groups gnomAD compares: Non-Finnish European, 0.00048%; no homozygotes.

Submission:

Labcorp Genetics (formerly Invitae), Labcorp
Classification: Uncertain significance for Familial episodic pain syndrome with predominantly lower limb involvement; Hereditary sensory and autonomic neuropathy type 7. Last evaluated: 2020-01-26. Review status: criteria provided, single submitter. Criteria: Invitae Variant Classification Sherloc (09022015). Collection method: clinical testing. Allele origin: germline.
Comment: This sequence change replaces arginine with glutamine at codon 86 of the SCN11A protein (p.Arg86Gln). The arginine residue is moderately conserved and there is a small physicochemical difference between arginine and glutamine. This variant is not present in population databases (ExAC no frequency). This variant has not been reported in the literature in individuals with SCN11A-related conditions. Algorithms developed to predict the effect of missense changes on protein structure and function (SIFT, PolyPhen-2, Align-GVGD) all suggest that this variant is likely to be tolerated, but these predictions have not been confirmed by published functional studies and their clinical significance is uncertain. In summary, the available evidence is currently insufficient to determine the role of this variant in disease. Therefore, it has been classified as a Variant of Uncertain Significance.

NM_001349253.2(SCN11A):c.257G>A (p.Arg86Gln)

Gene: SCN11A (sodium voltage-gated channel alpha subunit 11; minus strand). Cytogenetic location: 3p22.2.
Variant type: single nucleotide variant.
Coding change: c.257G>A on transcript NM_001349253.2 (MANE Select); coding-DNA position 257, G replaced by A.
Protein change: p.Arg86Gln; replaces arginine 86 with glutamine.
Molecular consequence: missense variant.
Genome position (GRCh38, 1-based): chr3:38,950,106, C>T on the plus strand (G>A on the coding strand, the complement: SCN11A is on the minus strand). VCF-style: chr3-38950106-C-T. GRCh37 (hg19) VCF-style: chr3-38991597-C-T.
Other names: c.257G>A, p.Arg86Gln (NM_014139.3); short protein forms R86Q.
Identifiers: ClinVar variation 1000171 (VCV001000171.5), dbSNP rs1213171012, ClinGen allele CA352176470.
Genomic context (GRCh38, chr3:38,950,106, plus strand): 5'-ATGGTTAGAACACCCCCACCCCCACCCCCCCCCCCCGCCCAATGAAGTACCTTATGATTT[C>T]GGTAGAATGGGTCCAAGTCTTCCAGAGGCTTTCCTATGAGCTCACGAGGAATGTCGCCAT-3'
Protein context (NP_001336182.1, residues 76-96): KPLEDLDPFY[Arg86Gln]NHKTFMVLNR